The following is an entry in ClinVar:

ClinVar aggregate classification (germline): Conflicting classifications of pathogenicity. Review status: criteria provided, conflicting classifications (1 of 4 stars). 3 submissions from 3 submitters: Uncertain significance (1); Benign (1). 1 of the submissions does not count toward it. Last evaluated 2025-01-18.

Conditions:
TP63-related disorder. Also called: TP63-Related Disorders; TP63-related condition. Identifiers: MedGen CN380159.
TP63-Related Spectrum Disorders.

Allele frequency attached by ClinVar (database versions not stated): gnomAD exomes 0.00003 and 0.00010; ExAC 0.00012; ESP Exome Variant Server 0.00031; gnomAD 0.00031 and 0.00032; TOPMed 0.00035; 1000 Genomes Project 0.00040; 1000 Genomes Project 30x 0.00062.
gnomAD v4.1: 93 of 1,613,942 alleles (0.0058%); highest among the groups gnomAD compares: African/African-American, 0.099%; no homozygotes.

Submissions (3):

Labcorp Genetics (formerly Invitae), Labcorp
Classification: Benign. Last evaluated: 2025-01-18. Review status: criteria provided, single submitter. Criteria: Invitae Variant Classification Sherloc (09022015). Collection method: clinical testing. Allele origin: germline.

Eurofins Ntd Llc (ga)
Classification: Uncertain significance. Last evaluated: 2015-11-25. Review status: criteria provided, single submitter. Criteria: EGL Classification Definitions 2015. Collection method: clinical testing. Allele origin: germline. Observed: 1 variant allele, 1 heterozygote.

PreventionGenetics, part of Exact Sciences
Classification: Likely benign for TP63-related condition. Last evaluated: 2023-10-17. Review status: no assertion criteria provided. Collection method: clinical testing. Allele origin: germline. Not counted in ClinVar's aggregate classification.
Comment: This variant is classified as likely benign based on ACMG/AMP sequence variant interpretation guidelines (Richards et al. 2015 PMID: 25741868, with internal and published modifications).

NM_003722.5(TP63):c.1827A>G (p.Glu609=)

Gene: TP63 (tumor protein p63; plus strand). Cytogenetic location: 3q28.
Variant type: single nucleotide variant.
Coding change: c.1827A>G on transcript NM_003722.5 (MANE Select); coding-DNA position 1827, A replaced by G.
Protein change: p.Glu609=; no amino-acid change (glutamic acid 609 retained).
Molecular consequence: synonymous variant. On other transcripts: 3 prime UTR variant (6).
Genome position (GRCh38, 1-based): chr3:189,894,286, A>G. VCF-style: chr3-189894286-A-G. GRCh37 (hg19) VCF-style: chr3-189612075-A-G.
Other names: c.*65A>G (NM_001114978.2, NM_001114981.2); c.1545A>G, p.Glu515= (NM_001114980.2); c.*55A>G (NM_001329144.2, NM_001329145.2, NM_001329149.2 and 1 more transcripts); c.1290A>G, p.Glu430= (NM_001329146.2); c.1815A>G, p.Glu605= (NM_001329148.2); c.1821A>G, p.Glu607= (NM_001329964.2); c.1827A>G (NM_003722.4).
Identifiers: ClinVar variation 284956 (VCV000284956.13), dbSNP rs147538847, ClinGen allele CA2752585.